The following is an entry in ClinVar:

NM_000069.3(CACNA1S):c.5199A>C (p.Arg1733Ser)

Gene: CACNA1S (calcium voltage-gated channel subunit alpha1 S; minus strand). Cytogenetic location: 1q32.1.
Variant type: single nucleotide variant.
Coding change: c.5199A>C on transcript NM_000069.3 (MANE Select); coding-DNA position 5199, A replaced by C.
Protein change: p.Arg1733Ser; replaces arginine 1733 with serine.
Molecular consequence: missense variant.
Genome position (GRCh38, 1-based): chr1:201,040,649, T>G on the plus strand (A>C on the coding strand, the complement: CACNA1S is on the minus strand). VCF-style: chr1-201040649-T-G. GRCh37 (hg19) VCF-style: chr1-201009777-T-G.
Other names: short protein forms R1733S.
Identifiers: ClinVar variation 2201325 (VCV002201325.5), dbSNP rs1490186766, ClinGen allele CA344131914.
Genomic context (GRCh38, chr1:201,040,649, plus strand): 5'-TGGAGTTTGCTCCCAGGCCTCTGCCACTGTTACCTGGCAGGGGGCAGGAGGTGCCTGGCC[T>G]CTGGGCATTGCCCTCTGGGTCAGCAGTCCCTTCAGCATCTCCACACAGGGTTTGCTGTGG-3'
Protein context (NP_000060.2, residues 1723-1743): KGLLTQRAMP[Arg1733Ser]GQAPPAPCQC

ClinVar aggregate classification (germline): Conflicting classifications of pathogenicity. Review status: criteria provided, conflicting classifications (1 of 4 stars). 2 submissions from 2 submitters: Uncertain significance (1); Likely benign (1). Last evaluated 2023-12-18.

Conditions:
Malignant hyperthermia, susceptibility to, 5 (MHS5). Also called: CACNA1S-Related Malignant Hyperthermia Susceptibility. Identifiers: Orphanet 423, MedGen C1866077, MONDO:0011163, OMIM 601887.
Hypokalemic periodic paralysis, type 1. Also called: Hypokalemic Periodic Paralysis Type 1 (AD); HypoPP. Identifiers: Orphanet 681, MedGen C3714580, MONDO:0042979, OMIM 170400.

Allele frequency attached by ClinVar (database versions not stated): gnomAD exomes below 0.00001; gnomAD 0.00001.
gnomAD v4.1: 2 of 1,613,994 alleles (0.00012%); highest among the groups gnomAD compares: East Asian, 0.0045%; no homozygotes.

Submissions (2):

All of Us Research Program, National Institutes of Health
Classification: Uncertain significance for Malignant hyperthermia, susceptibility to, 5. Last evaluated: 2023-12-18. Review status: criteria provided, single submitter. Criteria: ACMG Guidelines, 2015. Collection method: clinical testing. Allele origin: germline. Inheritance: Autosomal dominant inheritance. Observed: 1 variant allele, 1 heterozygote.
Comment: This missense variant replaces arginine with serine at codon 1733 of the CACNA1S protein. Computational prediction suggests that this variant may not impact protein structure and function (internally defined REVEL score threshold <= 0.5, PMID: 27666373). To our knowledge, functional studies have not been reported for this variant. This variant has not been reported in individuals affected with CACNA1S-related disorders in the literature. This variant has been identified in 1/31386 chromosomes in the general population by the Genome Aggregation Database (gnomAD). The available evidence is insufficient to determine the role of this variant in disease conclusively. Therefore, this variant is classified as a Variant of Uncertain Significance.

This study involves interpretation of variants in research participants for the purpose of population health screening. Participant phenotype was not available at the time of variant classification. Additional details can be found in publication PMID: 35346344, PMCID: PMC8962531

Labcorp Genetics (formerly Invitae), Labcorp
Classification: Likely benign for Hypokalemic periodic paralysis, type 1; Malignant hyperthermia, susceptibility to, 5. Last evaluated: 2022-07-27. Review status: criteria provided, single submitter. Criteria: Invitae Variant Classification Sherloc (09022015). Collection method: clinical testing. Allele origin: germline.